The following is an entry in ClinVar:

ClinVar aggregate classification (germline): Pathogenic. Review status: criteria provided, multiple submitters, no conflicts (2 of 4 stars). 4 submissions from 4 submitters: Pathogenic (4). Last evaluated 2026-09-15.

Conditions:
Hereditary nonpolyposis colorectal neoplasms. Identifiers: MedGen C0009405, MeSH D003123.
Lynch syndrome 4 (LYNCH4). Also called: Colorectal cancer, hereditary nonpolyposis, type 4; Hereditary non-polyposis colorectal cancer, type 4. Identifiers: Orphanet 144, MedGen C1838333, MONDO:0013699, OMIM 614337. Disease mechanism: loss of function.
Hereditary cancer-predisposing syndrome. Also called: Tumor predisposition; Hereditary neoplastic syndrome; Hereditary Cancer Syndrome; Neoplastic Syndromes, Hereditary. Identifiers: Orphanet 140162, MedGen C0027672, MeSH D009386, MONDO:0015356.

Allele frequency attached by ClinVar (database versions not stated): TOPMed below 0.00001.

Submissions (4):

GeneDx
Classification: Pathogenic. Last evaluated: 2026-09-15. Review status: criteria provided, single submitter. Criteria: GeneDx Variant Classification Process June 2021. Collection method: clinical testing. Allele origin: germline.
Comment: Not observed at significant frequency in large population cohorts (gnomAD); Observed in an individual with rectal cancer (PMID: 27607863); Truncating variants in this gene are considered pathogenic by a well-established clinical consortium and/or database; Nonsense variant predicted to result in protein truncation or nonsense mediated decay in a gene for which loss of function is a known mechanism of disease; This variant is associated with the following publications: (PMID: 30787465, 27607863)

Labcorp Genetics (formerly Invitae), Labcorp
Classification: Pathogenic for Hereditary nonpolyposis colorectal neoplasms. Last evaluated: 2025-12-10. Review status: criteria provided, single submitter. Criteria: Invitae Variant Classification Sherloc (09022015). Collection method: clinical testing. Allele origin: germline.
Comment: This sequence change creates a premature translational stop signal (p.Ser284*) in the PMS2 gene. It is expected to result in an absent or disrupted protein product. Loss-of-function variants in PMS2 are known to be pathogenic (PMID: 21376568, 24362816). This variant is not present in population databases (gnomAD no frequency). This variant has not been reported in the literature in individuals affected with PMS2-related conditions. Invitae Evidence Modeling of clinical and family history, age, sex, and reported ancestry of multiple individuals with this PMS2 variant has been performed. This variant is expected to be pathogenic with a positive predictive value of at least 99%. This is a validated machine learning model that incorporates the clinical features of 1,627,235 individuals referred to our laboratory for PMS2 testing. ClinVar contains an entry for this variant (Variation ID: 233656). For these reasons, this variant has been classified as Pathogenic.

Ambry Genetics
Classification: Pathogenic for Hereditary cancer-predisposing syndrome. Last evaluated: 2025-05-19. Review status: criteria provided, single submitter. Criteria: Ambry Variant Classification Scheme 2023. Collection method: clinical testing. Allele origin: germline.
Comment: The p.S284* pathogenic mutation (also known as c.851C>G), located in coding exon 8 of the PMS2 gene, results from a C to G substitution at nucleotide position 851. This changes the amino acid from a serine to a stop codon within coding exon 8. This variant is considered to be rare based on population cohorts in the Genome Aggregation Database (gnomAD). This alteration is expected to result in loss of function by premature protein truncation or nonsense-mediated mRNA decay. As such, this alteration is interpreted as a disease-causing mutation.

Myriad Genetics, Inc.
Classification: Pathogenic for Lynch syndrome 4. Last evaluated: 2023-09-19. Review status: criteria provided, single submitter. Criteria: Myriad Autosomal Dominant, Autosomal Recessive and X-Linked Classification Criteria (2023). Collection method: clinical testing. Allele origin: unknown.
Comment: This variant is considered pathogenic. This variant creates a termination codon and is predicted to result in premature protein truncation.

Literature cited by the submitters: PubMed 21376568 (cited by Labcorp Genetics (formerly Invitae), Labcorp); PubMed 24362816 (cited by Labcorp Genetics (formerly Invitae), Labcorp).

NM_000535.7(PMS2):c.851C>G (p.Ser284Ter)

Gene: PMS2 (PMS1 homolog 2, mismatch repair system component; minus strand). Cytogenetic location: 7p22.1.
Variant type: single nucleotide variant.
Coding change: c.851C>G on transcript NM_000535.7 (MANE Select); coding-DNA position 851, C replaced by G.
Protein change: p.Ser284Ter; replaces serine 284 with a stop codon.
Molecular consequence: nonsense. On other transcripts: 5 prime UTR variant (2), non-coding transcript variant (1).
Genome position (GRCh38, 1-based): chr7:5,995,586, G>C on the plus strand (C>G on the coding strand, the complement: PMS2 is on the minus strand). VCF-style: chr7-5995586-G-C. GRCh37 (hg19) VCF-style: chr7-6035217-G-C.
Other names: c.446C>G, p.Ser149Ter (NM_001322003.2, NM_001322004.2, NM_001322005.2 and 2 more transcripts); c.851C>G, p.Ser284Ter (NM_001322006.2, NM_001322014.2); c.533C>G, p.Ser178Ter (NM_001322007.2, NM_001322008.2); c.-83C>G (NM_001322011.2, NM_001322012.2); c.278C>G, p.Ser93Ter (NM_001322013.2); c.542C>G, p.Ser181Ter (NM_001322015.2); short protein forms S284*, S149*, S181*, S93*, S178*.
Identifiers: ClinVar variation 233656 (VCV000233656.20), dbSNP rs587782898, ClinGen allele CA10578694.